The following is an entry in ClinVar:

NM_001130987.2(DYSF):c.2420G>C (p.Ser807Thr)

Gene: DYSF (dysferlin; plus strand). Cytogenetic location: 2p13.2.
Variant type: single nucleotide variant.
Coding change: c.2420G>C on transcript NM_001130987.2 (MANE Select); coding-DNA position 2420, G replaced by C.
Protein change: p.Ser807Thr; replaces serine 807 with threonine.
Molecular consequence: missense variant.
Genome position (GRCh38, 1-based): chr2:71,564,068, G>C. VCF-style: chr2-71564068-G-C. GRCh37 (hg19) VCF-style: chr2-71791198-G-C.
Other names: c.2369G>C, p.Ser790Thr (NM_001130455.2, NM_001130983.2); c.2324G>C, p.Ser775Thr (NM_001130976.2, NM_001130977.2); c.2366G>C, p.Ser789Thr (NM_001130978.2, NM_003494.4); c.2459G>C, p.Ser820Thr (NM_001130979.2); c.2417G>C, p.Ser806Thr (NM_001130980.2, NM_001130981.2); c.2462G>C, p.Ser821Thr (NM_001130982.2); c.2327G>C, p.Ser776Thr (NM_001130984.2, NM_001130986.2); c.2420G>C, p.Ser807Thr (NM_001130985.2); short protein forms S807T, S789T, S775T, S776T, S790T, S821T, S806T, S820T.
Identifiers: ClinVar variation 288436 (VCV000288436.12), dbSNP rs886043898, ClinGen allele CA10606089.

ClinVar aggregate classification (germline): Uncertain significance. Review status: criteria provided, multiple submitters, no conflicts (2 of 4 stars). 2 submissions from 2 submitters: Uncertain significance (2). Last evaluated 2022-03-18.

Conditions:
Neuromuscular disease caused by qualitative or quantitative defects of dysferlin. Also called: Dysferlinopathy; Qualitative or quantitative defects of dysferlin. Identifiers: Orphanet 207073, MedGen C2931687, MONDO:0016145.

Allele frequency attached by ClinVar (database versions not stated): gnomAD exomes below 0.00001; TOPMed below 0.00001.

Submissions (2):

Labcorp Genetics (formerly Invitae), Labcorp
Classification: Uncertain significance for Neuromuscular disease caused by qualitative or quantitative defects of dysferlin. Last evaluated: 2022-03-18. Review status: criteria provided, single submitter. Criteria: Invitae Variant Classification Sherloc (09022015). Collection method: clinical testing. Allele origin: germline.
Comment: This sequence change replaces serine, which is neutral and polar, with threonine, which is neutral and polar, at codon 789 of the DYSF protein (p.Ser789Thr). This variant is not present in population databases (gnomAD no frequency). This variant has not been reported in the literature in individuals affected with DYSF-related conditions. ClinVar contains an entry for this variant (Variation ID: 288436). Advanced modeling of protein sequence and biophysical properties (such as structural, functional, and spatial information, amino acid conservation, physicochemical variation, residue mobility, and thermodynamic stability) performed at Invitae indicates that this missense variant is not expected to disrupt DYSF protein function. In summary, the available evidence is currently insufficient to determine the role of this variant in disease. Therefore, it has been classified as a Variant of Uncertain Significance.

Eurofins Ntd Llc (ga)
Classification: Uncertain significance. Last evaluated: 2016-06-03. Review status: criteria provided, single submitter. Criteria: EGL Classification Definitions 2015. Collection method: clinical testing. Allele origin: germline. Observed: 1 variant allele, 1 heterozygote.